The following is an entry in ClinVar:

ClinVar aggregate classification (germline): Uncertain significance. Review status: criteria provided, multiple submitters, no conflicts (2 of 4 stars). 2 submissions from 2 submitters: Uncertain significance (2). Last evaluated 2024-06-29.

Conditions:
Hereditary cancer-predisposing syndrome. Also called: Neoplastic Syndromes, Hereditary; Tumor predisposition; Hereditary Cancer Syndrome; Hereditary neoplastic syndrome. Identifiers: Orphanet 140162, MedGen C0027672, MeSH D009386, MONDO:0015356.
BAP1-related tumor predisposition syndrome (TPDS1). Also called: COMMON Syndrome; TUMOR PREDISPOSITION SYNDROME 1; Tumor susceptibility linked to germline BAP1 mutations; BAP1 tumor predisposition syndrome. Identifiers: Orphanet 289539, MedGen C3280492, MONDO:0013692, OMIM 614327.

gnomAD v4.1: 1 of 1,613,274 alleles (0.000062%); highest among the groups gnomAD compares: Non-Finnish European, 0.000085%; no homozygotes.

Submissions (2):

Labcorp Genetics (formerly Invitae), Labcorp
Classification: Uncertain significance for BAP1-related tumor predisposition syndrome. Last evaluated: 2024-06-29. Review status: criteria provided, single submitter. Criteria: Invitae Variant Classification Sherloc (09022015). Collection method: clinical testing. Allele origin: germline.
Comment: This sequence change replaces proline, which is neutral and non-polar, with serine, which is neutral and polar, at codon 222 of the BAP1 protein (p.Pro222Ser). This variant is not present in population databases (gnomAD no frequency). This variant has not been reported in the literature in individuals affected with BAP1-related conditions. ClinVar contains an entry for this variant (Variation ID: 1754682). Advanced modeling of protein sequence and biophysical properties (such as structural, functional, and spatial information, amino acid conservation, physicochemical variation, residue mobility, and thermodynamic stability) performed at Invitae indicates that this missense variant is expected to disrupt BAP1 protein function with a positive predictive value of 80%. In summary, the available evidence is currently insufficient to determine the role of this variant in disease. Therefore, it has been classified as a Variant of Uncertain Significance.

Ambry Genetics
Classification: Uncertain significance for Hereditary cancer-predisposing syndrome. Last evaluated: 2024-04-22. Review status: criteria provided, single submitter. Criteria: Ambry Variant Classification Scheme 2023. Collection method: clinical testing. Allele origin: germline.
Comment: The p.P222S variant (also known as c.664C>T), located in coding exon 9 of the BAP1 gene, results from a C to T substitution at nucleotide position 664. The proline at codon 222 is replaced by serine, an amino acid with similar properties. This amino acid position is highly conserved in available vertebrate species. In addition, the in silico prediction for this alteration is inconclusive. Since supporting evidence is limited at this time, the clinical significance of this alteration remains unclear.

NM_004656.4(BAP1):c.664C>T (p.Pro222Ser)

Gene: BAP1 (BRCA1 associated deubiquitinase 1; minus strand). Cytogenetic location: 3p21.1.
Variant type: single nucleotide variant.
Coding change: c.664C>T on transcript NM_004656.4 (MANE Select); coding-DNA position 664, C replaced by T.
Protein change: p.Pro222Ser; replaces proline 222 with serine.
Molecular consequence: missense variant.
Genome position (GRCh38, 1-based): chr3:52,406,372, G>A on the plus strand (C>T on the coding strand, the complement: BAP1 is on the minus strand). VCF-style: chr3-52406372-G-A. GRCh37 (hg19) VCF-style: chr3-52440388-G-A.
Other names: short protein forms P222S.
Identifiers: ClinVar variation 1754682 (VCV001754682.6), dbSNP rs780457225, ClinGen allele CA353107618.